The following is an entry in ClinVar:

ClinVar aggregate classification (germline): Uncertain significance. Review status: criteria provided, multiple submitters, no conflicts (2 of 4 stars). 2 submissions from 2 submitters: Uncertain significance (2). Last evaluated 2023-10-03.

Conditions:
Bardet-Biedl syndrome (BBS). Identifiers: Orphanet 110, MedGen C0752166, MONDO:0015229.

Allele frequency attached by ClinVar (database versions not stated): gnomAD exomes 0.00001 and 0.00002; TOPMed 0.00001; ExAC 0.00002.
gnomAD v4.1: 30 of 1,613,350 alleles (0.0019%); highest among the groups gnomAD compares: Non-Finnish European, 0.0022%; no homozygotes.

Submissions (2):

Labcorp Genetics (formerly Invitae), Labcorp
Classification: Uncertain significance for Bardet-Biedl syndrome. Last evaluated: 2023-10-03. Review status: criteria provided, single submitter. Criteria: Invitae Variant Classification Sherloc (09022015). Collection method: clinical testing. Allele origin: germline.
Comment: This sequence change replaces serine, which is neutral and polar, with phenylalanine, which is neutral and non-polar, at codon 130 of the BBS10 protein (p.Ser130Phe). This variant is present in population databases (rs766572403, gnomAD 0.005%). This variant has not been reported in the literature in individuals affected with BBS10-related conditions. ClinVar contains an entry for this variant (Variation ID: 434486). Advanced modeling of protein sequence and biophysical properties (such as structural, functional, and spatial information, amino acid conservation, physicochemical variation, residue mobility, and thermodynamic stability) performed at Invitae indicates that this missense variant is expected to disrupt BBS10 protein function. In summary, the available evidence is currently insufficient to determine the role of this variant in disease. Therefore, it has been classified as a Variant of Uncertain Significance.

Genetic Services Laboratory, University of Chicago
Classification: Uncertain significance. Last evaluated: 2016-10-11. Review status: criteria provided, single submitter. Criteria: ACMG Guidelines, 2015. Collection method: clinical testing. Allele origin: germline. Affected: no.

NM_024685.4(BBS10):c.389C>T (p.Ser130Phe)

Gene: BBS10 (Bardet-Biedl syndrome 10; minus strand). Cytogenetic location: 12q21.2.
Variant type: single nucleotide variant.
Coding change: c.389C>T on transcript NM_024685.4 (MANE Select); coding-DNA position 389, C replaced by T.
Protein change: p.Ser130Phe; replaces serine 130 with phenylalanine.
Molecular consequence: missense variant.
Genome position (GRCh38, 1-based): chr12:76,347,596, G>A on the plus strand (C>T on the coding strand, the complement: BBS10 is on the minus strand). VCF-style: chr12-76347596-G-A. GRCh37 (hg19) VCF-style: chr12-76741376-G-A.
Other names: c.389C>T, p.Ser130Phe (LRG_1255t1); short protein forms S130F.
Identifiers: ClinVar variation 434486 (VCV000434486.9), dbSNP rs766572403, ClinGen allele CA6694360.